The following is an entry in ClinVar:

NM_001961.4(EEF2):c.2197G>T (p.Val733Leu)

Genes: EEF2 (eukaryotic translation elongation factor 2; minus strand), LOC130063169 (ATAC-STARR-seq lymphoblastoid active region 13746; plus strand). Cytogenetic location: 19p13.3.
Variant type: single nucleotide variant.
Coding change: c.2197G>T on transcript NM_001961.4 (MANE Select); coding-DNA position 2197, G replaced by T.
Protein change: p.Val733Leu; replaces valine 733 with leucine.
Molecular consequence: missense variant.
Genome position (GRCh38, 1-based): chr19:3,977,481, C>A on the plus strand (G>T on the coding strand, the complement: EEF2 is on the minus strand). VCF-style: chr19-3977481-C-A. GRCh37 (hg19) VCF-style: chr19-3977479-C-A.
Other names: short protein forms V733L.
Identifiers: ClinVar variation 3391516 (VCV003391516.1).
Genomic context (GRCh38, chr19:3,977,481, plus strand): 5'-ACCTCACCTGGATCTCCACAAGGTAGATGGGCTCCATGAGGCGTGGCTGGGCGGTCAGCA[C>A]ACTGGCATAGAGGCAGCGCCGTGCTGTGGGGATGATCTGGCCCCCTCCGCGGTGGATGGC-3'
Protein context (NP_001952.1, residues 723-743): PTARRCLYAS[Val733Leu]LTAQPRLMEP

ClinVar aggregate classification (germline): Uncertain significance (1 of 4 stars; one submission).

gnomAD v4.1: 1 of 1,586,814 alleles (0.000063%); highest among the groups gnomAD compares: Non-Finnish European, 0.000085%; no homozygotes.

Submission:

GeneDx
Classification: Uncertain significance. Last evaluated: 2024-06-20. Review status: criteria provided, single submitter. Criteria: GeneDx Variant Classification Process June 2021. Collection method: clinical testing. Allele origin: germline. Affected: yes.
Comment: Not observed at significant frequency in large population cohorts (gnomAD); In silico analysis indicates that this missense variant does not alter protein structure/function; Has not been previously published as pathogenic or benign to our knowledge